The following is an entry in ClinVar:

ClinVar aggregate classification (germline): Uncertain significance. Review status: criteria provided, single submitter (1 of 4 stars). 2 submissions from 1 submitter: Uncertain significance (2).

Conditions:
Transitory neonatal diabetes mellitus. Also called: Transient neonatal diabetes mellitus. Identifiers: MedGen C0342273, MONDO:0020525, HP:0008255.
Maturity-onset diabetes of the young (MODY). Also called: Maturity onset diabetes mellitus in young. Identifiers: Orphanet 552, MedGen C0342276, MONDO:0018911, HP:0004904.

Submissions (2):

Clinical Genomics, Uppaluri K&H Personalized Medicine Clinic
Classification: Uncertain significance for Maturity-onset diabetes of the young. Review status: criteria provided, single submitter. Criteria: K & H Uppaluri Personalized Medicine Clinic Variant Classification & Assertion Criteria_Updated V.1. Collection method: research. Allele origin: unknown. Inheritance: Somatic mutation.
Comment: Mutations in ABCC8 gene are associated with both neonatal diabetes mellitus as well as MODY. Patients with this mutation may have a better response to sulfonylureas. However, no sufficient evidence is found to ascertain the role of this particular variant ( rs886048056) in MODY yet.

Clinical Genomics, Uppaluri K&H Personalized Medicine Clinic
Classification: Uncertain significance for Transitory neonatal diabetes mellitus. Review status: criteria provided, single submitter. Criteria: K & H Uppaluri Personalized Medicine Clinic Variant Classification & Assertion Criteria_Updated V.1. Collection method: research. Allele origin: unknown. Inheritance: Somatic mutation.
Comment: Mutations in ABCC8 gene are associated with both neonatal diabetes mellitus as well as MODY. Patients with this mutation may have a better response to sulfonylureas. However, no sufficient evidence is found to ascertain the role of this particular variant ( rs886048056) in neonatal diabetes yet.

Literature cited by the submitters: PubMed 16885549; PubMed 21989597; PubMed 27538677; PubMed 18981553; PubMed 32027066; PubMed 16613899; PubMed 18025408; PubMed 32792356.

NC_000011.10:g.17476889C>A

Gene: ABCC8 (ATP binding cassette subfamily C member 8; minus strand). Cytogenetic location: 11p15.1.
Variant type: single nucleotide variant.
Genome position: GRCh38 VCF-style: chr11-17476889-C-A. GRCh37 (hg19) VCF-style: chr11-17498436-C-A.
Identifiers: ClinVar variation 1691267 (VCV001691267.2), dbSNP rs886048056, ClinGen allele CA935533464.